The following is an entry in ClinVar:

NM_001009944.3(PKD1):c.6057C>T (p.Val2019=)

Gene: PKD1 (polycystin 1, transient receptor potential channel interacting; minus strand). Cytogenetic location: 16p13.3.
Variant type: single nucleotide variant.
Coding change: c.6057C>T on transcript NM_001009944.3 (MANE Select); coding-DNA position 6057, C replaced by T.
Protein change: p.Val2019=; no amino-acid change (valine 2019 retained).
Molecular consequence: synonymous variant.
Genome position (GRCh38, 1-based): chr16:2,109,110, G>A on the plus strand (C>T on the coding strand, the complement: PKD1 is on the minus strand). VCF-style: chr16-2109110-G-A. GRCh37 (hg19) VCF-style: chr16-2159111-G-A.
Other names: p.Val2019=; c.6057C>T, p.Val2019= (NM_000296.4).
Identifiers: ClinVar variation 3780273 (VCV003780273.4).

ClinVar aggregate classification (germline): Likely benign. Review status: criteria provided, multiple submitters, no conflicts (2 of 4 stars). 4 submissions from 4 submitters: Likely benign (4). Last evaluated 2026-03-31.

Conditions:
Polycystic kidney disease, adult type (PKD1). Also called: Polycystic Kidney Disease 1, Autosomal Dominant; Polycystic kidney disease 1; Polycystic kidney disease 1, severe; POLYCYSTIC KIDNEY DISEASE 1 WITH OR WITHOUT POLYCYSTIC LIVER DISEASE; Polycystic Kidney, Autosomal Dominant; POLYCYSTIC KIDNEY DISEASE, ADULT, TYPE I. Identifiers: MedGen C3149841, MONDO:0008263, OMIM 173900.
PKD1-related disorder. Also called: PKD1-related condition.

gnomAD v4.1: 89 of 1,603,002 alleles (0.0056%); highest among the groups gnomAD compares: African/African-American, 0.076%; no homozygotes.

Submissions (4):

PreventionGenetics, part of Exact Sciences
Classification: Likely benign for PKD1-related condition. Last evaluated: 2026-03-31. Review status: criteria provided, single submitter. Criteria: ACMG Guidelines, 2015. Collection method: clinical testing. Allele origin: germline.
Comment: This variant is classified as likely benign based on ACMG/AMP sequence variant interpretation guidelines (Richards et al. 2015 PMID: 25741868, with internal and published modifications).

Mayo Clinic Laboratories, Mayo Clinic
Classification: Likely benign. Last evaluated: 2025-08-03. Review status: criteria provided, single submitter. Criteria: ACMG Guidelines, 2015. Collection method: clinical testing. Allele origin: germline. Observed: 2 variant alleles.
Comment: BS1, BP4, BP7

Blueprint Genetics
Classification: Likely benign. Last evaluated: 2024-09-23. Review status: criteria provided, single submitter. Criteria: ACMG Guidelines, 2015. Collection method: clinical testing. Allele origin: germline.

Department of Pathology and Laboratory Medicine, Sinai Health System
Classification: Likely benign for Polycystic kidney disease, adult type. Last evaluated: 2022-09-22. Review status: criteria provided, single submitter. Criteria: ACMG Guidelines, 2015. Collection method: clinical testing. Allele origin: germline. Affected: yes.